The following is an entry in ClinVar:

ClinVar aggregate classification (germline): Conflicting classifications of pathogenicity. Review status: criteria provided, conflicting classifications (1 of 4 stars). 2 submissions from 2 submitters: Uncertain significance (1); Likely benign (1). Last evaluated 2026-01-11.

Submissions (2):

Women's Health and Genetics/Laboratory Corporation of America, LabCorp
Classification: Uncertain significance. Last evaluated: 2026-01-11. Review status: criteria provided, single submitter. Criteria: LabCorp Variant Classification Summary - May 2015. Collection method: clinical testing. Allele origin: germline.
Comment: Variant summary: FBN2 c.2248+4G>C alters a conserved nucleotide located close to a canonical splice site and therefore could affect mRNA splicing, leading to a significantly altered protein sequence. Consensus agreement among computation tools predict no significant impact on normal splicing. However, these predictions have yet to be confirmed by functional studies. The variant allele was found at a frequency of 1.6e-05 in 251276 control chromosomes. The available data on variant occurrences in the general population are insufficient to allow any conclusion about variant significance. To our knowledge, no occurrence of c.2248+4G>C in individuals affected with FBN2-related conditions and no experimental evidence demonstrating its impact on protein function have been reported. No submitters have cited clinical-significance assessments for this variant to ClinVar. Based on the evidence outlined above, the variant was classified as uncertain significance.

Blueprint Genetics
Classification: Likely benign. Last evaluated: 2024-08-19. Review status: criteria provided, single submitter. Criteria: ACMG Guidelines, 2015. Collection method: clinical testing. Allele origin: germline.

NM_001999.4(FBN2):c.2248+4G>C

Gene: FBN2 (fibrillin 2; minus strand). Cytogenetic location: 5q23.3.
Variant type: single nucleotide variant.
Coding change: c.2248+4G>C on transcript NM_001999.4 (MANE Select); 4 bases into the intron after coding-DNA position 2248, G replaced by C.
Molecular consequence: intron variant.
Genome position (GRCh38, 1-based): chr5:128,369,178, C>G on the plus strand (G>C on the coding strand, the complement: FBN2 is on the minus strand). VCF-style: chr5-128369178-C-G. GRCh37 (hg19) VCF-style: chr5-127704871-C-G.
Identifiers: ClinVar variation 4689499 (VCV004689499.2).